The following is an entry in ClinVar:

NR_023344.2(RNU6ATAC):n.64C>G

Gene: RNU6ATAC (RNA, U6atac small nuclear; minus strand). Cytogenetic location: 9q34.2.
Variant type: single nucleotide variant.
Molecular consequence: non-coding transcript variant (on NR_023344.2).
Genome position: GRCh38 VCF-style: chr9-134164501-G-C. GRCh37 (hg19) VCF-style: chr9-137029623-G-C.
Identifiers: ClinVar variation 4683136 (VCV004683136.1).

ClinVar aggregate classification (germline): Uncertain significance (1 of 4 stars; one submission).

Conditions:
RNU6ATAC spectrum disorder.

Submission:

Undiagnosed Diseases Network, NIH
Classification: Uncertain significance for RNU6ATAC spectrum disorder. Last evaluated: 2026-01-08. Review status: criteria provided, single submitter. Criteria: ACMG Guidelines, 2015. Collection method: clinical testing. Allele origin: paternal. Inheritance: Autosomal recessive inheritance. Affected: yes. Observed: 1 variant allele, 1 compound heterozygote. Study: Undiagnosed Diseases Network (NIH), UDN.
Comment: This variant is absent in the Genome Aggregation Database (gnomAD). This variant has not been previously reported in ClinVar. The variant disrupts the distinctive central Stem-loop of U6atac. The central stem-loop is known to be stabilized by specific protein-RNA interactions with CENATAC (centrosomal AT-AC splicing factor [MIM: 6200142]), which neutralize the RNA’s negative charge. Disruptions in this region could destabilize the U6atac structure, thereby adversely affecting minor intron splicing (PMID: 38484052).

Literature cited by the submitters: PubMed 38484052.